The following is an entry in ClinVar:

ClinVar aggregate classification (germline): Uncertain significance. Review status: criteria provided, multiple submitters, no conflicts (2 of 4 stars). 2 submissions from 2 submitters: Uncertain significance (2). Last evaluated 2025-10-31.

Conditions:
Inborn genetic diseases. Identifiers: MedGen C0950123, MeSH D030342.
Saldino-Mainzer syndrome (SRTD9). Also called: CONORENAL SYNDROME; Renal dysplasia, retinal pigmentary dystrophy, cerebellar ataxia and skeletal dysplasia; SHORT-RIB THORACIC DYSPLASIA 9 WITHOUT POLYDACTYLY; short-rib thoracic dysplasia 9 with or without polydactyly. Identifiers: Orphanet 140969, MedGen C1849437, MONDO:0009964, OMIM 266920.

gnomAD v4.1: 14 of 1,586,288 alleles (0.00088%); highest among the groups gnomAD compares: African/African-American, 0.0027%; no homozygotes.

Submissions (2):

Labcorp Genetics (formerly Invitae), Labcorp
Classification: Uncertain significance for Saldino-Mainzer syndrome. Last evaluated: 2025-10-31. Review status: criteria provided, single submitter. Criteria: Invitae Variant Classification Sherloc (09022015). Collection method: clinical testing. Allele origin: germline.
Comment: This sequence change replaces glutamic acid, which is acidic and polar, with lysine, which is basic and polar, at codon 863 of the IFT140 protein (p.Glu863Lys). The frequency data for this variant in the population databases is considered unreliable, as metrics indicate poor data quality at this position in the gnomAD database. This variant has not been reported in the literature in individuals affected with IFT140-related conditions. ClinVar contains an entry for this variant (Variation ID: 4037499). Invitae Evidence Modeling of protein sequence and biophysical properties (such as structural, functional, and spatial information, amino acid conservation, physicochemical variation, residue mobility, and thermodynamic stability) indicates that this missense variant is not expected to disrupt IFT140 protein function with a negative predictive value of 80%. In summary, the available evidence is currently insufficient to determine the role of this variant in disease. Therefore, it has been classified as a Variant of Uncertain Significance.

Ambry Genetics
Classification: Uncertain significance for Inborn genetic diseases. Last evaluated: 2025-05-03. Review status: criteria provided, single submitter. Criteria: Ambry Variant Classification Scheme 2023. Collection method: clinical testing. Allele origin: germline.

NM_014714.4(IFT140):c.2587G>A (p.Glu863Lys)

Gene: IFT140 (intraflagellar transport 140; minus strand). Cytogenetic location: 16p13.3.
Variant type: single nucleotide variant.
Coding change: c.2587G>A on transcript NM_014714.4 (MANE Select); coding-DNA position 2587, G replaced by A.
Protein change: p.Glu863Lys; replaces glutamic acid 863 with lysine.
Molecular consequence: missense variant.
Genome position (GRCh38, 1-based): chr16:1,526,068, C>T on the plus strand (G>A on the coding strand, the complement: IFT140 is on the minus strand). VCF-style: chr16-1526068-C-T. GRCh37 (hg19) VCF-style: chr16-1576069-C-T.
Other names: short protein forms E863K.
Identifiers: ClinVar variation 4037499 (VCV004037499.2).
Genomic context (GRCh38, chr16:1,526,068, plus strand): 5'-CCGCAGCCTGGTAGAACTTGTTCAGGAGGTCGTGGCGCTTGCACTTCCTGTACAGCTGCT[C>T]GGCGTCCTCCTGAGGAATGAGGATGGGCAGGTGTCGTGCAGCCTCCACACACCCACGTCT-3'
Protein context (NP_055529.2, residues 853-873): ATQLGMLEDA[Glu863Lys]QLYRKCKRHD